The following is an entry in ClinVar:

ClinVar aggregate classification (germline): Benign. Review status: criteria provided, multiple submitters, no conflicts (2 of 4 stars). 3 submissions from 3 submitters: Benign (3). Last evaluated 2025-10-22.

Conditions:
Oligosynaptic infertility (SPGF1). Also called: SPERMATOGENIC FAILURE 1; OLIGOCHIASMATIC INFERTILITY. Identifiers: MedGen C0403810, MONDO:0009776, OMIM 258150.
46 XY differences of sex development. Also called: 46,XY disorder of sex development; 46, XY disorder of sex development (DSD). Identifiers: Orphanet 98085, MedGen C2751824, MONDO:0020040.

Allele frequency attached by ClinVar (database versions not stated): gnomAD exomes 0.47190; gnomAD 0.56771 and 0.57051; TOPMed 0.58833; 1000 Genomes Project 0.65675; 1000 Genomes Project 30x 0.65740.
gnomAD v4.1: 615,216 of 1,269,752 alleles (48%); highest among the groups gnomAD compares: East Asian, 81%; 163,539 homozygotes.

Submissions (3):

Labcorp Genetics (formerly Invitae), Labcorp
Classification: Benign for 46 XY differences of sex development; Oligosynaptic infertility. Last evaluated: 2025-10-22. Review status: criteria provided, single submitter. Criteria: Invitae Variant Classification Sherloc (09022015). Collection method: clinical testing. Allele origin: germline.

GeneDx
Classification: Benign. Last evaluated: 2015-03-03. Review status: criteria provided, single submitter. Criteria: GeneDx Variant Classification Process June 2021. Collection method: clinical testing. Allele origin: germline. Affected: yes.
Comment: This variant is associated with the following publications: (PMID: 23096908, 27884173, 29090230)

Breakthrough Genomics
Classification: Benign. Review status: criteria provided, single submitter. Criteria: ACMG Guidelines, 2015. Collection method: not provided. Allele origin: germline. Inheritance: Autosomal dominant inheritance. Affected: yes.

NM_004959.5(NR5A1):c.*82C>T

Gene: NR5A1 (nuclear receptor subfamily 5 group A member 1; minus strand). Cytogenetic location: 9q33.3.
Variant type: single nucleotide variant.
Coding change: c.*82C>T on transcript NM_004959.5 (MANE Select); 82 bases downstream of the stop codon, C replaced by T.
Molecular consequence: 3 prime UTR variant.
Genome position (GRCh38, 1-based): chr9:124,482,676, G>A on the plus strand (C>T on the coding strand, the complement: NR5A1 is on the minus strand). VCF-style: chr9-124482676-G-A. GRCh37 (hg19) VCF-style: chr9-127244955-G-A.
Identifiers: ClinVar variation 701816 (VCV000701816.9), dbSNP rs915034, ClinGen allele CA13020092.